The following is an entry in ClinVar:

NM_001164508.2(NEB):c.18974A>G (p.Lys6325Arg)

Gene: NEB (nebulin; minus strand). Cytogenetic location: 2q23.3.
Variant type: single nucleotide variant.
Coding change: c.18974A>G on transcript NM_001164508.2 (MANE Select); coding-DNA position 18974, A replaced by G.
Protein change: p.Lys6325Arg; replaces lysine 6325 with arginine.
Molecular consequence: missense variant.
Genome position (GRCh38, 1-based): chr2:151,562,132, T>C on the plus strand (A>G on the coding strand, the complement: NEB is on the minus strand). VCF-style: chr2-151562132-T-C. GRCh37 (hg19) VCF-style: chr2-152418646-T-C.
Other names: c.18974A>G, p.Lys6325Arg (NM_001164507.2, NM_001271208.2); c.13871A>G, p.Lys4624Arg (NM_004543.5); short protein forms K4624R, K6325R.
Identifiers: ClinVar variation 2684273 (VCV002684273.1), dbSNP rs1278264838, ClinGen allele CA348796700.

ClinVar aggregate classification (germline): Uncertain significance (1 of 4 stars; one submission).

Allele frequency attached by ClinVar (database versions not stated): gnomAD 0.00001; gnomAD exomes 0.00001; TOPMed below 0.00001.
gnomAD v4.1: 6 of 1,613,438 alleles (0.00037%); highest among the groups gnomAD compares: Non-Finnish European, 0.00051%; no homozygotes.

Submission:

Athena Diagnostics
Classification: Uncertain significance. Last evaluated: 2023-04-12. Review status: criteria provided, single submitter. Criteria: Athena Diagnostics Criteria. Collection method: clinical testing. Allele origin: unknown.
Comment: Available data are insufficient to determine the clinical significance of the variant at this time. The frequency of this variant in the general population is uninformative in assessment of its pathogenicity. Computational tools disagree on the variant's effect on normal protein function.